The following is an entry in ClinVar:

ClinVar aggregate classification (germline): Uncertain significance (1 of 4 stars; one submission).

Allele frequency attached by ClinVar (database versions not stated): TOPMed 0.00001.

Submission:

Labcorp Genetics (formerly Invitae), Labcorp
Classification: Uncertain significance. Last evaluated: 2023-07-29. Review status: criteria provided, single submitter. Criteria: Invitae Variant Classification Sherloc (09022015). Collection method: clinical testing. Allele origin: germline.
Comment: This sequence change affects codon 1284 of the COL11A2 mRNA. It is a 'silent' change, meaning that it does not change the encoded amino acid sequence of the COL11A2 protein. This variant also falls at the last nucleotide of exon 52, which is part of the consensus splice site for this exon. In summary, the available evidence is currently insufficient to determine the role of this variant in disease. Therefore, it has been classified as a Variant of Uncertain Significance. Variants that disrupt the consensus splice site are a relatively common cause of aberrant splicing (PMID: 17576681, 9536098). Algorithms developed to predict the effect of sequence changes on RNA splicing suggest that this variant is not likely to affect RNA splicing. This variant has not been reported in the literature in individuals affected with COL11A2-related conditions. This variant is not present in population databases (gnomAD no frequency).

Literature cited by the submitters: PubMed 17576681; PubMed 9536098.

NM_080680.3(COL11A2):c.3852G>A (p.Arg1284=)

Gene: COL11A2 (collagen type XI alpha 2 chain; minus strand). Cytogenetic location: 6p21.32.
Variant type: single nucleotide variant.
Coding change: c.3852G>A on transcript NM_080680.3 (MANE Select); coding-DNA position 3852, G replaced by A.
Protein change: p.Arg1284=; no amino-acid change (arginine 1284 retained).
Molecular consequence: synonymous variant.
Genome position (GRCh38, 1-based): chr6:33,168,955, C>T on the plus strand (G>A on the coding strand, the complement: COL11A2 is on the minus strand). VCF-style: chr6-33168955-C-T. GRCh37 (hg19) VCF-style: chr6-33136732-C-T.
Other names: c.3672G>A, p.Arg1224= (NM_001424108.1); c.3006G>A, p.Arg1002= (NM_001424109.1); c.2826G>A, p.Arg942= (NM_001424110.1, NM_001424111.1); c.1806G>A, p.Arg602= (NM_001424112.1); c.3531G>A, p.Arg1177= (NM_080679.3); c.3594G>A, p.Arg1198= (NM_080681.3).
Identifiers: ClinVar variation 2768347 (VCV002768347.3), dbSNP rs1334829212, ClinGen allele CA449871710.
Genomic context (GRCh38, chr6:33,168,955, plus strand): 5'-AGGACCCCCCCATAGAAGCCCCACCCTTTTTGCCCCTTCCCTTCTCTGAGTAAGACTCAC[C>T]CGAGGGCCACCTTCTCCAGGGGGGCCAGGGTCACCAGGAAAACCAACAGGACCCTGATCC-3'
Protein context (NP_542411.2, residues 1274-1294): DPGPPGEGGP[Arg1284=]GQDGAKGDRG